The following is an entry in ClinVar:

ClinVar aggregate classification (germline): Uncertain significance (1 of 4 stars; one submission).

Conditions:
Early-infantile DEE. Also called: Early infantile epileptic encephalopathy; Early infantile epileptic encephalopathy with suppression bursts; Ohtahara syndrome. Identifiers: Orphanet 1934, MedGen C0393706, MONDO:0800491.

Submission:

Labcorp Genetics (formerly Invitae), Labcorp
Classification: Uncertain significance for Early-infantile DEE. Last evaluated: 2022-11-22. Review status: criteria provided, single submitter. Criteria: Invitae Variant Classification Sherloc (09022015). Collection method: clinical testing. Allele origin: germline.
Comment: This sequence change replaces asparagine, which is neutral and polar, with aspartic acid, which is acidic and polar, at codon 307 of the KCNH5 protein (p.Asn307Asp). In summary, the available evidence is currently insufficient to determine the role of this variant in disease. Therefore, it has been classified as a Variant of Uncertain Significance. Advanced modeling of protein sequence and biophysical properties (such as structural, functional, and spatial information, amino acid conservation, physicochemical variation, residue mobility, and thermodynamic stability) performed at Invitae indicates that this missense variant is not expected to disrupt KCNH5 protein function. This variant has not been reported in the literature in individuals affected with KCNH5-related conditions. This variant is not present in population databases (gnomAD no frequency).

NM_139318.5(KCNH5):c.919A>G (p.Asn307Asp)

Gene: KCNH5 (potassium voltage-gated channel subfamily H member 5; minus strand). Cytogenetic location: 14q23.2.
Variant type: single nucleotide variant.
Coding change: c.919A>G on transcript NM_139318.5 (MANE Select); coding-DNA position 919, A replaced by G.
Protein change: p.Asn307Asp; replaces asparagine 307 with aspartic acid.
Molecular consequence: missense variant.
Genome position (GRCh38, 1-based): chr14:62,980,895, T>C on the plus strand (A>G on the coding strand, the complement: KCNH5 is on the minus strand). VCF-style: chr14-62980895-T-C. GRCh37 (hg19) VCF-style: chr14-63447613-T-C.
Other names: c.919A>G, p.Asn307Asp (NM_172375.3); short protein forms N307D.
Identifiers: ClinVar variation 2800233 (VCV002800233.3), dbSNP rs2503044327, ClinGen allele CA390103842.